The following is an entry in ClinVar:

ClinVar aggregate classification (germline): Likely pathogenic. Review status: criteria provided, multiple submitters, no conflicts (2 of 4 stars). 2 submissions from 2 submitters: Likely pathogenic (2). Last evaluated 2025-05-19.

Conditions:
Hearing loss, autosomal recessive. Also called: Rare autosomal recessive non-syndromic sensorineural deafness type DFNB; Deafness, autosomal recessive; Nonsyndromic Hearing Loss, Recessive; Autosomal recessive nonsyndromic deafness. Identifiers: Orphanet 90635, Orphanet 90636, MedGen C1846647, MONDO:0019588, OMIM 607197.

gnomAD v4.1: 16 of 1,548,216 alleles (0.001%); highest among the groups gnomAD compares: Non-Finnish European, 0.0014%; no homozygotes.

Submissions (2):

Dasa
Classification: Likely pathogenic. Last evaluated: 2025-05-19. Review status: criteria provided, single submitter. Criteria: DASA Assertion Criteria. Collection method: clinical testing. Allele origin: germline.
Comment: NM_001292063.2(OTOG):c.3285G>A (p.Trp1095*) is a nonsense variant in OTOG predicted to introduce a premature termination codon and is predicted to result in an absent or altered protein product. Loss of function is an established disease mechanism for OTOG-associated disorders. Also, this variant is rare in population databases. Based on the currently available evidence, this variant is classified as likely pathogenic.

Laboratory of Human Genetics, Universidade de São Paulo
Classification: Likely pathogenic for Hearing loss, autosomal recessive. Last evaluated: 2024-05-01. Review status: criteria provided, single submitter. Criteria: ClinGen HL ACMG Specifications v1. Collection method: research. Allele origin: unknown. Affected: yes. Observed: 1 variant allele.
Comment: The OTOG:NM_001277269.2:c.3321G>A is a null variant in a gene where loss of function is a known mechanism of disease (PVS1), has extremely low frequency in gnomAD population databases (PM2).

NM_001292063.2(OTOG):c.3285G>A (p.Trp1095Ter)

Gene: OTOG (otogelin; plus strand). Cytogenetic location: 11p15.1.
Variant type: single nucleotide variant.
Coding change: c.3285G>A on transcript NM_001292063.2 (MANE Select); coding-DNA position 3285, G replaced by A.
Protein change: p.Trp1095Ter; replaces tryptophan 1095 with a stop codon.
Molecular consequence: nonsense.
Genome position (GRCh38, 1-based): chr11:17,593,753, G>A. VCF-style: chr11-17593753-G-A. GRCh37 (hg19) VCF-style: chr11-17615300-G-A.
Other names: c.3321G>A, p.Trp1107Ter (NM_001277269.2); short protein forms W1095*, W1107*.
Identifiers: ClinVar variation 3340151 (VCV003340151.3).